The following is an entry in ClinVar:

ClinVar aggregate classification (germline): Pathogenic. Review status: criteria provided, single submitter (1 of 4 stars). 2 submissions from 2 submitters: Pathogenic (1). 1 of the submissions does not count toward it. Last evaluated 2025-11-04.

Conditions:
ACAN-related disorder. Also called: ACAN-related condition; ACAN-related disorders.
Short stature and advanced bone age, with or without early-onset osteoarthritis and/or osteochondritis dissecans (SSOAOD). Identifiers: Orphanet 251262, MedGen C3665488, MONDO:0100462, OMIM 165800.

Submissions (2):

Women's Health and Genetics/Laboratory Corporation of America, LabCorp
Classification: Pathogenic for ACAN-Related Disorders. Last evaluated: 2025-11-04. Review status: criteria provided, single submitter. Criteria: LabCorp Variant Classification Summary - May 2015. Collection method: clinical testing. Allele origin: germline.
Comment: Variant summary: ACAN c.7204C>T (p.Gln2402X) results in a premature termination codon, predicted to cause a truncation of the encoded protein or absence of the protein due to nonsense mediated decay, which are commonly known mechanisms for disease. The variant was absent in 245954 control chromosomes. c.7204C>T has been observed in at least 1 individual(s) affected with ACAN-Related Disorders (Renes_2024). The following publication has been ascertained in the context of this evaluation (PMID: 38232712). ClinVar contains an entry for this variant (Variation ID: 440752). Based on the evidence outlined above, the variant was classified as pathogenic.

OMIM
Classification: Pathogenic for SHORT STATURE AND ADVANCED BONE AGE, WITH EARLY-ONSET OSTEOARTHRITIS AND OSTEOCHONDRITIS DISSECANS. Last evaluated: 2017-09-28. Review status: no assertion criteria provided. Collection method: literature only. Allele origin: germline. Not counted in ClinVar's aggregate classification.

Literature cited by the submitters: PubMed 38232712 (cited by Women's Health and Genetics/Laboratory Corporation of America, LabCorp); PubMed 27710243 (cited by OMIM); PubMed 28331218 (cited by OMIM).

NM_001369268.1(ACAN):c.7204C>T (p.Gln2402Ter)

Gene: ACAN (aggrecan; plus strand). Cytogenetic location: 15q26.1.
Variant type: single nucleotide variant.
Coding change: c.7204C>T on transcript NM_001369268.1 (MANE Select); coding-DNA position 7204, C replaced by T.
Protein change: p.Gln2402Ter; replaces glutamine 2402 with a stop codon.
Molecular consequence: nonsense.
Genome position (GRCh38, 1-based): chr15:88,871,525, C>T. VCF-style: chr15-88871525-C-T. GRCh37 (hg19) VCF-style: chr15-89414756-C-T.
Other names: c.6976C>T, p.Gln2326Ter (NM_001135.4); c.7090C>T, p.Gln2364Ter (NM_013227.4); short protein forms Q2364*, Q2326*, Q2402*.
Identifiers: ClinVar variation 440752 (VCV000440752.4), dbSNP rs1555457525, ClinGen allele CA393729827.